The following is an entry in ClinVar:

NM_001271.4(CHD2):c.5048C>T (p.Ala1683Val)

Gene: CHD2 (chromodomain helicase DNA binding protein 2; plus strand). Cytogenetic location: 15q26.1.
Variant type: single nucleotide variant.
Coding change: c.5048C>T on transcript NM_001271.4 (MANE Select); coding-DNA position 5048, C replaced by T.
Protein change: p.Ala1683Val; replaces alanine 1683 with valine.
Molecular consequence: missense variant.
Genome position (GRCh38, 1-based): chr15:93,020,153, C>T. VCF-style: chr15-93020153-C-T. GRCh37 (hg19) VCF-style: chr15-93563383-C-T.
Other names: short protein forms A1683V.
Identifiers: ClinVar variation 2645729 (VCV002645729.27), dbSNP rs375173012, ClinGen allele CA7748631.

ClinVar aggregate classification (germline): Conflicting classifications of pathogenicity. Review status: criteria provided, conflicting classifications (1 of 4 stars). 2 submissions from 2 submitters: Uncertain significance (1); Likely benign (1). Last evaluated 2023-10-01.

Conditions:
Developmental and epileptic encephalopathy 94 (DEE94). Also called: Epileptic encephalopathy, childhood-onset; CHD2-Related Neurodevelopmental Disorders. Identifiers: Orphanet 1942, Orphanet 2382, MedGen C3809278, MONDO:0014150, OMIM 615369.

Allele frequency attached by ClinVar (database versions not stated): gnomAD exomes below 0.00001; TOPMed below 0.00001; ExAC 0.00001; gnomAD 0.00001; ESP Exome Variant Server 0.00008.
gnomAD v4.1: 9 of 1,613,852 alleles (0.00056%); highest among the groups gnomAD compares: Non-Finnish European, 0.00059%; no homozygotes.

Submissions (2):

CeGaT Center for Human Genetics Tuebingen
Classification: Likely benign. Last evaluated: 2023-10-01. Review status: criteria provided, single submitter. Criteria: CeGaT Center For Human Genetics Tuebingen Variant Classification Criteria Version 2. Collection method: clinical testing. Allele origin: germline. Affected: yes. Observed: 1 variant allele.
Comment: CHD2: BP4

Labcorp Genetics (formerly Invitae), Labcorp
Classification: Uncertain significance for Developmental and epileptic encephalopathy 94. Last evaluated: 2022-10-31. Review status: criteria provided, single submitter. Criteria: Invitae Variant Classification Sherloc (09022015). Collection method: clinical testing. Allele origin: germline.
Comment: This variant has not been reported in the literature in individuals affected with CHD2-related conditions. This variant is present in population databases (rs375173012, gnomAD 0.004%). This sequence change replaces alanine, which is neutral and non-polar, with valine, which is neutral and non-polar, at codon 1683 of the CHD2 protein (p.Ala1683Val). Advanced modeling of protein sequence and biophysical properties (such as structural, functional, and spatial information, amino acid conservation, physicochemical variation, residue mobility, and thermodynamic stability) performed at Invitae indicates that this missense variant is not expected to disrupt CHD2 protein function. In summary, the available evidence is currently insufficient to determine the role of this variant in disease. Therefore, it has been classified as a Variant of Uncertain Significance.